The following is an entry in ClinVar:

NM_001371986.1(UNC80):c.2918A>T (p.Glu973Val)

Gene: UNC80 (unc-80 subunit of NALCN channel complex; plus strand). Cytogenetic location: 2q34.
Variant type: single nucleotide variant.
Coding change: c.2918A>T on transcript NM_001371986.1 (MANE Select); coding-DNA position 2918, A replaced by T.
Protein change: p.Glu973Val; replaces glutamic acid 973 with valine.
Molecular consequence: missense variant.
Genome position (GRCh38, 1-based): chr2:209,834,144, A>T. VCF-style: chr2-209834144-A-T. GRCh37 (hg19) VCF-style: chr2-210698868-A-T.
Other names: c.2918A>T, p.Glu973Val (NM_032504.2); c.2903A>T, p.Glu968Val (NM_182587.4); short protein forms E968V, E973V.
Identifiers: ClinVar variation 1487225 (VCV001487225.6), dbSNP rs2153828828, ClinGen allele CA350411745.
Genomic context (GRCh38, chr2:209,834,144, plus strand): 5'-CTCTGCTTGACAGTGCCGAGAAGTTAGCACCAGGGAAAAAGGTGGAGGAGAATGAACAGG[A>T]ATCTAAGCCTGCAGGCAGTAAAAGGTTGGAAGCTTGAACTCTCTGAATATTACTGTTTGC-3'
Protein context (NP_001358915.1, residues 963-983): PGKKVEENEQ[Glu973Val]SKPAGSKRSE

ClinVar aggregate classification (germline): Uncertain significance (1 of 4 stars; one submission).

Submission:

Labcorp Genetics (formerly Invitae), Labcorp
Classification: Uncertain significance. Last evaluated: 2025-03-03. Review status: criteria provided, single submitter. Criteria: Invitae Variant Classification Sherloc (09022015). Collection method: clinical testing. Allele origin: germline.
Comment: This sequence change replaces glutamic acid with valine at codon 973 of the UNC80 protein (p.Glu973Val). The glutamic acid residue is weakly conserved and there is a moderate physicochemical difference between glutamic acid and valine. This variant is not present in population databases (gnomAD no frequency). This variant has not been reported in the literature in individuals affected with UNC80-related conditions. ClinVar contains an entry for this variant (Variation ID: 1487225). An algorithm developed to predict the effect of missense changes on protein structure and function (PolyPhen-2) suggests that this variant is likely to be disruptive. Algorithms developed to predict the effect of sequence changes on RNA splicing suggest that this variant may disrupt the consensus splice site. In summary, the available evidence is currently insufficient to determine the role of this variant in disease. Therefore, it has been classified as a Variant of Uncertain Significance.